The following is an entry in ClinVar:

ClinVar aggregate classification (germline): Conflicting classifications of pathogenicity. Review status: criteria provided, conflicting classifications (1 of 4 stars). 4 submissions from 4 submitters: Likely pathogenic (1); Uncertain significance (3). Last evaluated 2025-07-28.

Conditions:
Familial hypocalciuric hypercalcemia (FHH). Also called: Familial benign hypercalcemia. Identifiers: Orphanet 405, MedGen C1809471, MONDO:0018458.
Autosomal dominant hypocalcemia 1 (HYPOC1). Also called: HYPOCALCEMIA, FAMILIAL. Identifiers: MedGen C3715128, MONDO:0011013, OMIM 601198.

Submissions (4):

Labcorp Genetics (formerly Invitae), Labcorp
Classification: Likely pathogenic for Familial hypocalciuric hypercalcemia; Autosomal dominant hypocalcemia 1. Last evaluated: 2025-07-28. Review status: criteria provided, single submitter. Criteria: Invitae Variant Classification Sherloc (09022015). Collection method: clinical testing. Allele origin: germline.
Comment: This sequence change replaces alanine, which is neutral and non-polar, with valine, which is neutral and non-polar, at codon 298 of the CASR protein (p.Ala298Val). This variant is not present in population databases (gnomAD no frequency). This missense change has been observed in individual(s) with clinical features of autosomal dominant hypocalciuric hypercalcemia (PMID: 32347971, 34714514). Invitae Evidence Modeling of clinical and family history, age, sex, and reported ancestry of multiple individuals with this CASR variant has been performed. This variant is expected to be pathogenic with a positive predictive value of at least 99%. This is a validated machine learning model that incorporates the clinical features of 646,172 individuals referred to our laboratory for CASR testing. ClinVar contains an entry for this variant (Variation ID: 424581). An algorithm developed to predict the effect of missense changes on protein structure and function (PolyPhen-2) suggests that this variant is likely to be disruptive. In summary, the currently available evidence indicates that the variant is pathogenic, but additional data are needed to prove that conclusively. Therefore, this variant has been classified as Likely Pathogenic.

Women's Health and Genetics/Laboratory Corporation of America, LabCorp
Classification: Uncertain significance. Last evaluated: 2023-05-23. Review status: criteria provided, single submitter. Criteria: LabCorp Variant Classification Summary - May 2015. Collection method: clinical testing. Allele origin: germline.
Comment: Variant summary: CASR c.893C>T (p.Ala298Val) results in a non-conservative amino acid change located in the Receptor, ligand binding region domain (IPR001828) of the encoded protein sequence. Five of five in-silico tools predict a damaging effect of the variant on protein function. The variant was absent in 251232 control chromosomes. c.893C>T has been reported in the literature in individuals affected with features of Familial Hypocalciuric Hypercalcemia (example, Mouly_2020, Lasbleiz_2022). These data indicate that the variant may be associated with disease. To our knowledge, no experimental evidence demonstrating an impact on protein function has been reported. The following publications have been ascertained in the context of this evaluation (PMID: 34714514, 32347971). Three clinical diagnostic laboratories have submitted clinical-significance assessments for this variant to ClinVar after 2014 without evidence for independent evaluation. All laboratories classified the variant as uncertain significance. Based on the evidence outlined above, the variant was classified as VUS-possibly pathogenic.

Athena Diagnostics
Classification: Uncertain significance. Last evaluated: 2021-10-13. Review status: criteria provided, single submitter. Criteria: Athena Diagnostics Criteria. Collection method: clinical testing. Allele origin: unknown.

GeneDx
Classification: Uncertain significance. Last evaluated: 2017-03-27. Review status: criteria provided, single submitter. Criteria: GeneDx Variant Classification (06012015). Collection method: clinical testing. Allele origin: germline. Affected: yes.
Comment: The A298V variant has not been published as a pathogenic variant, nor has it been reported as a benign variant to our knowledge. The variant is not observed in large population cohorts (Lek et al., 2016; 1000 Genomes Consortium et al., 2015; Exome Variant Server). A298V is a conservative amino acid substitution, which is not likely to impact secondary protein structure as these residues share similar properties. However, this substitution occurs at a position that is conserved across species, and in silico analysis predicts this variant is probably damaging to the protein structure/function. In summary, based on the currently available information, it is unclear whether this variant is a pathogenic variant or a rare benign variant.

Literature cited by the submitters: PubMed 32347971 (cited by 3 submitters); PubMed 34714514 (cited by Labcorp Genetics (formerly Invitae), Labcorp and Women's Health and Genetics/Laboratory Corporation of America, LabCorp).

NM_000388.4(CASR):c.893C>T (p.Ala298Val)

Gene: CASR (calcium sensing receptor; plus strand). Cytogenetic location: 3q21.1.
Variant type: single nucleotide variant.
Coding change: c.893C>T on transcript NM_000388.4 (MANE Select); coding-DNA position 893, C replaced by T.
Protein change: p.Ala298Val; replaces alanine 298 with valine.
Molecular consequence: missense variant.
Genome position (GRCh38, 1-based): chr3:122,261,928, C>T. VCF-style: chr3-122261928-C-T. GRCh37 (hg19) VCF-style: chr3-121980775-C-T.
Other names: c.893C>T, p.Ala298Val (NM_001178065.2); short protein forms A298V.
Identifiers: ClinVar variation 424581 (VCV000424581.11), dbSNP rs1064797049, ClinGen allele CA16617816.